The following is an entry in ClinVar:

ClinVar aggregate classification (germline): Uncertain significance. Review status: criteria provided, multiple submitters, no conflicts (2 of 4 stars). 2 submissions from 2 submitters: Uncertain significance (2). Last evaluated 2024-06-09.

Conditions:
Cardiomyopathy (CMYO). Also called: Cardiomyopathies. Identifiers: Orphanet 167848, MedGen C0878544, MONDO:0004994, HP:0001638. Inheritance: Various modes of inheritance.
Hypertrophic cardiomyopathy. Also called: HYPERTROPHIC MYOCARDIOPATHY. Identifiers: Orphanet 217569, MedGen C0007194, MeSH D002312, MONDO:0005045, HP:0001639.

Submissions (2):

All of Us Research Program, National Institutes of Health
Classification: Uncertain significance for Hypertrophic cardiomyopathy. Last evaluated: 2024-06-09. Review status: criteria provided, single submitter. Criteria: ACMG Guidelines, 2015. Collection method: clinical testing. Allele origin: germline. Inheritance: Autosomal dominant inheritance. Observed: 1 variant allele, 1 heterozygote.
Comment: This missense variant replaces threonine with isoleucine at codon 765 of the MYBPC3 protein. Computational prediction suggests that this variant may not impact protein structure and function (internally defined REVEL score threshold <= 0.5, PMID: 27666373). To our knowledge, functional studies have not been reported for this variant. This variant has not been reported in individuals affected with MYBPC3-related disorders in the literature. This variant has not been identified in the general population by the Genome Aggregation Database (gnomAD). The available evidence is insufficient to determine the role of this variant in disease conclusively. Therefore, this variant is classified as a Variant of Uncertain Significance.

This study involves interpretation of variants in research participants for the purpose of population health screening. Participant phenotype was not available at the time of variant classification. Additional details can be found in publication PMID: 35346344, PMCID: PMC8962531

Color Diagnostics, LLC DBA Color Health
Classification: Uncertain significance for Cardiomyopathy. Last evaluated: 2024-05-14. Review status: criteria provided, single submitter. Criteria: ACMG Guidelines, 2015. Collection method: clinical testing. Allele origin: germline.
Comment: This missense variant replaces threonine with isoleucine at codon 765 of the MYBPC3 protein. Computational prediction suggests that this variant may not impact protein structure and function (internally defined REVEL score threshold <= 0.5, PMID: 27666373). To our knowledge, functional studies have not been reported for this variant. This variant has not been reported in individuals affected with MYBPC3-related disorders in the literature. This variant has not been identified in the general population by the Genome Aggregation Database (gnomAD). The available evidence is insufficient to determine the role of this variant in disease conclusively. Therefore, this variant is classified as a Variant of Uncertain Significance.

NM_000256.3(MYBPC3):c.2294C>T (p.Thr765Ile)

Gene: MYBPC3 (myosin binding protein C3; minus strand). Cytogenetic location: 11p11.2.
Variant type: single nucleotide variant.
Coding change: c.2294C>T on transcript NM_000256.3 (MANE Select); coding-DNA position 2294, C replaced by T.
Protein change: p.Thr765Ile; replaces threonine 765 with isoleucine.
Molecular consequence: missense variant.
Genome position (GRCh38, 1-based): chr11:47,338,534, G>A on the plus strand (C>T on the coding strand, the complement: MYBPC3 is on the minus strand). VCF-style: chr11-47338534-G-A. GRCh37 (hg19) VCF-style: chr11-47360085-G-A.
Other names: short protein forms T765I.
Identifiers: ClinVar variation 3387114 (VCV003387114.2).